The following is an entry in ClinVar:

NM_000138.5(FBN1):c.5422+190A>T

Gene: FBN1 (fibrillin 1; minus strand). Cytogenetic location: 15q21.1.
Variant type: single nucleotide variant.
Coding change: c.5422+190A>T on transcript NM_000138.5 (MANE Select); 190 bases into the intron after coding-DNA position 5422, A replaced by T.
Molecular consequence: intron variant.
Genome position (GRCh38, 1-based): chr15:48,456,447, T>A on the plus strand (A>T on the coding strand, the complement: FBN1 is on the minus strand). VCF-style: chr15-48456447-T-A. GRCh37 (hg19) VCF-style: chr15-48748644-T-A.
Identifiers: ClinVar variation 674578 (VCV000674578.1), dbSNP rs76610457, ClinGen allele CA15846608.
Genomic context (GRCh38, chr15:48,456,447, plus strand): 5'-GGAAGTCTAATATTAACACACTGTGTGTTGGGGGAAAGGGGCTGGGAATGTGCCTCCTGG[T>A]TTTTCCACTGAAGTTAGTGAATTTTTTTTTTTTGCATGAAATTTCATGTTGTTCCACACC-3'

ClinVar aggregate classification (germline): Likely benign (1 of 4 stars; one submission).

Allele frequency attached by ClinVar (database versions not stated): gnomAD 0.01228 and 0.01641; TOPMed 0.02018; 1000 Genomes Project 30x 0.05996; 1000 Genomes Project 0.06370.
gnomAD v4.1: 2,488 of 152,214 alleles (1.6%); highest among the groups gnomAD compares: East Asian, 24%; 205 homozygotes.

Submission:

GeneDx
Classification: Likely benign. Last evaluated: 2018-06-19. Review status: criteria provided, single submitter. Criteria: GeneDx Variant Classification (06012015). Collection method: clinical testing. Allele origin: germline. Affected: yes.
Comment: This variant is considered likely benign or benign based on one or more of the following criteria: it is a conservative change, it occurs at a poorly conserved position in the protein, it is predicted to be benign by multiple in silico algorithms, and/or has population frequency not consistent with disease.